The following is an entry in ClinVar:

ClinVar aggregate classification (germline): Pathogenic. Review status: criteria provided, multiple submitters, no conflicts (2 of 4 stars). 6 submissions from 6 submitters: Pathogenic (6). Last evaluated 2025-08-09.

Conditions:
Dominant dystrophic epidermolysis bullosa with absence of skin. Also called: EPIDERMOLYSIS BULLOSA DYSTROPHICA, BART TYPE; EPIDERMOLYSIS BULLOSA WITH CONGENITAL LOCALIZED ABSENCE OF SKIN AND DEFORMITY OF NAILS. Identifiers: MedGen C0268371, MONDO:0007557, OMIM 132000.
Transient bullous dermolysis of the newborn (TBDN). Also called: DYSTROPHIC EPIDERMOLYSIS BULLOSA, NEONATAL; EPIDERMOLYSIS BULLOSA DYSTROPHICA, NEONATAL FORM. Identifiers: Orphanet 79411, MedGen C1851573, MONDO:0007548, OMIM 131705.
Pretibial dystrophic epidermolysis bullosa. Also called: Pretibial blistering; Pretibial epidermolysis bullosa; EPIDERMOLYSIS BULLOSA DYSTROPHICA, PRETIBIAL. Identifiers: Orphanet 79410, MedGen C0432321, MONDO:0007552, OMIM 131850, HP:0012221.
Recessive dystrophic epidermolysis bullosa (RDEB). Also called: DYSTROPHIC EPIDERMOLYSIS BULLOSA, AUTOSOMAL RECESSIVE; EPIDERMOLYSIS BULLOSA DYSTROPHICA, HALLOPEAU-SIEMENS TYPE; Hallopeau-Siemens Disease; EPIDERMOLYSIS BULLOSA DYSTROPHICA, GENERALIZED SEVERE, AUTOSOMAL RECESSIVE; epidermolysis bullosa dystrophica, autosomal recessive; severe generalized recessive dystrophic epidermolysis bullosa. Identifiers: Orphanet 79408, Orphanet 79409, MedGen C0079474, MONDO:0009179, OMIM 226600.
Epidermolysis bullosa pruriginosa. Also called: DEB, PRURIGINOSA; DYSTROPHIC EPIDERMOLYSIS BULLOSA PRURIGINOSA. Identifiers: Orphanet 89843, MedGen C1275114, MONDO:0011398, OMIM 604129.
Nonsyndromic congenital nail disorder 8. Also called: TOENAIL DYSTROPHY, ISOLATED. Identifiers: MedGen C1843761, MONDO:0011852, OMIM 607523.
Generalized dominant dystrophic epidermolysis bullosa (DDEB). Also called: DDEB, generalized; DDEB-gen; DYSTROPHIC EPIDERMOLYSIS BULLOSA, AUTOSOMAL DOMINANT; Epidermolysis bullosa dystrophica, autosomal dominant; Dominant DEB (DDEB). Identifiers: Orphanet 231568, MedGen C0432322, MONDO:0007549, OMIM 131750.
Epidermolysis bullosa dystrophica. Also called: Dystrophic epidermolysis bullosa, Hallopeau-Siemens type (formerly); Dystrophic epidermolysis bullosa. Identifiers: Orphanet 303, MedGen C0079294, MONDO:0006543.

Allele frequency attached by ClinVar (database versions not stated): gnomAD exomes below 0.00001 and 0.00001; ExAC 0.00001; gnomAD 0.00001; TOPMed 0.00001.
gnomAD v4.1: 3 of 1,613,766 alleles (0.00019%); highest among the groups gnomAD compares: Admixed American, 0.0033%; no homozygotes.

Submissions (6):

Labcorp Genetics (formerly Invitae), Labcorp
Classification: Pathogenic. Last evaluated: 2025-08-09. Review status: criteria provided, single submitter. Criteria: Invitae Variant Classification Sherloc (09022015). Collection method: clinical testing. Allele origin: germline.
Comment: This sequence change creates a premature translational stop signal (p.Arg2261*) in the COL7A1 gene. It is expected to result in an absent or disrupted protein product. Loss-of-function variants in COL7A1 are known to be pathogenic (PMID: 16971478). This variant is present in population databases (rs772381373, gnomAD 0.003%). This premature translational stop signal has been observed in individual(s) with autosomal recessive dystrophic epidermolysis bullosa (PMID: 12735646, 16484981, 21124339). ClinVar contains an entry for this variant (Variation ID: 372346). For these reasons, this variant has been classified as Pathogenic.

Natera, Inc.
Classification: Pathogenic for Dystrophic epidermolysis bullosa. Last evaluated: 2025-07-30. Review status: criteria provided, single submitter. Criteria: Natera Variant Classification Schema (03/2026). Collection method: clinical testing. Allele origin: germline.
Comment: The c.6781C>T variant in COL7A1 is a nonsense variant predicted to introduce a stop codon at amino acid 2261. This variant is expected to result in nonsense mediated decay, truncation, or a dysfunctional protein product. This variant is rare in the general population with a frequency below the threshold expected for the associated phenotype(s). This variant has been observed in one or more individuals affected with the associated recessive disease, as either homozygous or compound heterozygous with a second variant (PMID: 27899325). This variant has been found together with another disease-causing variant in the same copy of the gene (PMID: 35446444). Given the available evidence, this variant is classified as Pathogenic.

Fulgent Genetics
Classification: Pathogenic for Transient bullous dermolysis of the newborn; Generalized dominant dystrophic epidermolysis bullosa; Pretibial dystrophic epidermolysis bullosa; Dominant dystrophic epidermolysis bullosa with absence of skin; Recessive dystrophic epidermolysis bullosa; Epidermolysis bullosa pruriginosa; Nonsyndromic congenital nail disorder 8. Last evaluated: 2024-03-08. Review status: criteria provided, single submitter. Criteria: ACMG Guidelines, 2015. Collection method: clinical testing. Allele origin: germline.

Center for Research in Genodermatoses and Epidermolysis Bullosa, University of Buenos Aires
Classification: Pathogenic for Recessive dystrophic epidermolysis bullosa. Last evaluated: 2022-03-14. Review status: criteria provided, single submitter. Criteria: ACMG Guidelines, 2015. Collection method: clinical testing. Allele origin: maternal. Affected: yes. Observed: 1 variant allele, 1 compound heterozygote.

GeneDx
Classification: Pathogenic. Last evaluated: 2022-03-02. Review status: criteria provided, single submitter. Criteria: GeneDx Variant Classification Process June 2021. Collection method: clinical testing. Allele origin: germline. Affected: yes.
Comment: Nonsense variant predicted to result in protein truncation or nonsense mediated decay in a gene for which loss-of-function is a known mechanism of disease; Not observed at significant frequency in large population cohorts (gnomAD); This variant is associated with the following publications: (PMID: 16189623, 16484981, 31589614, 12735646, 28830826, 34435747, 19681861)

Biomedical Innovation Departament, CIEMAT
Classification: Pathogenic for Dystrophic epidermolysis bullosa. Last evaluated: 2017-05-24. Review status: criteria provided, single submitter. Criteria: ACMG Guidelines, 2015. Collection method: research. Allele origin: germline. Affected: yes. Observed: 1 variant allele.

Literature cited by the submitters: PubMed 16971478 (cited by Labcorp Genetics (formerly Invitae), Labcorp); PubMed 12735646 (cited by Labcorp Genetics (formerly Invitae), Labcorp and Center for Research in Genodermatoses and Epidermolysis Bullosa, University of Buenos Aires); PubMed 16484981 (cited by Labcorp Genetics (formerly Invitae), Labcorp); PubMed 21124339 (cited by Labcorp Genetics (formerly Invitae), Labcorp); PubMed 27899325 (cited by Natera, Inc.); PubMed 35446444 (cited by Natera, Inc.); PubMed 35979658 (cited by Center for Research in Genodermatoses and Epidermolysis Bullosa, University of Buenos Aires).

NM_000094.4(COL7A1):c.6781C>T (p.Arg2261Ter)

Gene: COL7A1 (collagen type VII alpha 1 chain; minus strand). Cytogenetic location: 3p21.31.
Variant type: single nucleotide variant.
Coding change: c.6781C>T on transcript NM_000094.4 (MANE Select); coding-DNA position 6781, C replaced by T.
Protein change: p.Arg2261Ter; replaces arginine 2261 with a stop codon.
Molecular consequence: nonsense.
Genome position (GRCh38, 1-based): chr3:48,572,912, G>A on the plus strand (C>T on the coding strand, the complement: COL7A1 is on the minus strand). VCF-style: chr3-48572912-G-A. GRCh37 (hg19) VCF-style: chr3-48610345-G-A.
Other names: short protein forms R2261*.
Identifiers: ClinVar variation 372346 (VCV000372346.32), dbSNP rs772381373, ClinGen allele CA2378841.